The following is an entry in ClinVar:

ClinVar aggregate classification (germline): Uncertain significance (1 of 4 stars; one submission).

Submission:

GeneDx
Classification: Uncertain significance. Last evaluated: 2017-07-03. Review status: criteria provided, single submitter. Criteria: GeneDx Variant Classification (06012015). Collection method: clinical testing. Allele origin: germline. Affected: yes.
Comment: The L1791V variant in the SPEG gene has not been reported previously as a pathogenic variant, nor as a benign variant, to our knowledge. The L1791V variant is not observed in large population cohorts (Lek et al., 2016; 1000 Genomes Consortium et al., 2015; Exome Variant Server). The L1791V variant is a conservative amino acid substitution, which is not likely to impact secondary protein structure as these residues share similar properties. This substitution occurs at a position that is conserved across species. In silico analysis is inconsistent in its predictions as to whether or not the variant is damaging to the protein structure/function. We interpret L1791V as a variant of uncertain significance.

NM_005876.5(SPEG):c.5371C>G (p.Leu1791Val)

Gene: SPEG (striated muscle enriched protein kinase; plus strand). Cytogenetic location: 2q35.
Variant type: single nucleotide variant.
Coding change: c.5371C>G on transcript NM_005876.5 (MANE Select); coding-DNA position 5371, C replaced by G.
Protein change: p.Leu1791Val; replaces leucine 1791 with valine.
Molecular consequence: missense variant.
Genome position (GRCh38, 1-based): chr2:219,481,305, C>G. VCF-style: chr2-219481305-C-G. GRCh37 (hg19) VCF-style: chr2-220346027-C-G.
Other names: short protein forms L1791V.
Identifiers: ClinVar variation 450233 (VCV000450233.2), dbSNP rs1553616554, ClinGen allele CA350689657.